The following is an entry in ClinVar:

ClinVar aggregate classification (germline): Uncertain significance (1 of 4 stars; one submission).

Conditions:
Inborn genetic diseases. Identifiers: MedGen C0950123, MeSH D030342.

Submission:

Ambry Genetics
Classification: Uncertain significance for Inborn genetic diseases. Last evaluated: 2025-12-21. Review status: criteria provided, single submitter. Criteria: Ambry Variant Classification Scheme 2023. Collection method: clinical testing. Allele origin: germline.
Comment: The p.A36G variant (also known as c.107C>G), located in coding exon 1 of the SH2B3 gene, results from a C to G substitution at nucleotide position 107. The alanine at codon 36 is replaced by glycine, an amino acid with similar properties. This amino acid position is conserved. In addition, this alteration is predicted to be tolerated by in silico analysis. Based on the available evidence, the clinical significance of this variant remains unclear.

NM_005475.3(SH2B3):c.107C>G (p.Ala36Gly)

Gene: SH2B3 (SH2B adaptor protein 3; plus strand). Cytogenetic location: 12q24.12.
Variant type: single nucleotide variant.
Coding change: c.107C>G on transcript NM_005475.3 (MANE Select); coding-DNA position 107, C replaced by G.
Protein change: p.Ala36Gly; replaces alanine 36 with glycine.
Molecular consequence: missense variant.
Genome position (GRCh38, 1-based): chr12:111,418,252, C>G. VCF-style: chr12-111418252-C-G. GRCh37 (hg19) VCF-style: chr12-111856056-C-G.
Other names: short protein forms A36G.
Identifiers: ClinVar variation 4842815 (VCV004842815.1).